The following is an entry in ClinVar:

ClinVar aggregate classification (germline): Uncertain significance. Review status: criteria provided, multiple submitters, no conflicts (2 of 4 stars). 2 submissions from 2 submitters: Uncertain significance (2). Last evaluated 2024-03-18.

Conditions:
Autosomal recessive hypophosphatemic bone disease (HHRH). Also called: HYPERCALCIURIC RICKETS; Hypophosphatemic rickets with hypercalciuria. Identifiers: Orphanet 157215, MedGen C1853271, MONDO:0009431, OMIM 241530.

Submissions (2):

Fulgent Genetics
Classification: Uncertain significance for Autosomal recessive hypophosphatemic bone disease. Last evaluated: 2024-03-18. Review status: criteria provided, single submitter. Criteria: ACMG Guidelines, 2015. Collection method: clinical testing. Allele origin: germline.

Labcorp Genetics (formerly Invitae), Labcorp
Classification: Uncertain significance. Last evaluated: 2020-06-27. Review status: criteria provided, single submitter. Criteria: Invitae Variant Classification Sherloc (09022015). Collection method: clinical testing. Allele origin: germline.
Comment: This variant, c.195_215dup, results in the insertion of 7 amino acid(s) to the SLC34A3 protein (p.Arg65_Gly71dup), but otherwise preserves the integrity of the reading frame. The frequency data for this variant in the population databases is considered unreliable, as metrics indicate poor data quality at this position in the ExAC database. This variant has not been reported in the literature in individuals with SLC34A3-related conditions. Experimental studies and prediction algorithms are not available or were not evaluated, and the functional significance of this variant is currently unknown. Algorithms developed to predict the effect of sequence changes on RNA splicing suggest that this variant may create or strengthen a splice site, but this prediction has not been confirmed by published transcriptional studies. In summary, the available evidence is currently insufficient to determine the role of this variant in disease. Therefore, it has been classified as a Variant of Uncertain Significance.

NM_001177316.2(SLC34A3):c.195_215dup (p.Arg65_Gly71dup)

Gene: SLC34A3 (solute carrier family 34 member 3; plus strand). Cytogenetic location: 9q34.3.
Variant type: Duplication.
Coding change: c.195_215dup on transcript NM_001177316.2 (MANE Select); coding-DNA positions 195 to 215, 21 bases duplicated (GCTGCGCCGCGTGGCCGGCAG).
Protein change: p.Arg65_Gly71dup.
Molecular consequence: inframe insertion.
Genome position (GRCh38, 1-based): chr9:137,232,594-137,232,614, GCTGCGCCGCGTGGCCGGCAG duplicated; duplicating any 21 consecutive bases within chr9:137,232,579-137,232,614 gives the same sequence; the c. name uses the placement nearest the transcript's 3' end. VCF-style (leftmost placement, unchanged base first): chr9-137232578-T-TCCGCGTGGCCGGCAGGCTGCG. GRCh37 (hg19) VCF-style: chr9-140127030-T-TCCGCGTGGCCGGCAGGCTGCG.
Other names: c.195_215dup, p.Arg65_Gly71dup (NM_001177317.2, NM_080877.3).
Identifiers: ClinVar variation 1045731 (VCV001045731.9), dbSNP rs532224704, ClinGen allele CA5364259.